The following is an entry in ClinVar:

ClinVar aggregate classification (germline): Uncertain significance (1 of 4 stars; one submission).

Allele frequency attached by ClinVar (database versions not stated): gnomAD 0.00003; TOPMed below 0.00001.
gnomAD v4.1: 4 of 1,613,824 alleles (0.00025%); highest among the groups gnomAD compares: African/African-American, 0.0053%; no homozygotes.

Submission:

Labcorp Genetics (formerly Invitae), Labcorp
Classification: Uncertain significance. Last evaluated: 2025-07-27. Review status: criteria provided, single submitter. Criteria: Invitae Variant Classification Sherloc (09022015). Collection method: clinical testing. Allele origin: germline.
Comment: This sequence change replaces lysine, which is basic and polar, with asparagine, which is neutral and polar, at codon 558 of the MYLK3 protein (p.Lys558Asn). This variant is present in population databases (no rsID available, gnomAD 0.02%). This variant has not been reported in the literature in individuals affected with MYLK3-related conditions. ClinVar contains an entry for this variant (Variation ID: 1377829). An algorithm developed to predict the effect of missense changes on protein structure and function (PolyPhen-2) suggests that this variant is likely to be disruptive. In summary, the available evidence is currently insufficient to determine the role of this variant in disease. Therefore, it has been classified as a Variant of Uncertain Significance.

NM_182493.3(MYLK3):c.1674G>C (p.Lys558Asn)

Gene: MYLK3 (myosin light chain kinase 3; minus strand). Cytogenetic location: 16q11.2.
Variant type: single nucleotide variant.
Coding change: c.1674G>C on transcript NM_182493.3 (MANE Select); coding-DNA position 1674, G replaced by C.
Protein change: p.Lys558Asn; replaces lysine 558 with asparagine.
Molecular consequence: missense variant.
Genome position (GRCh38, 1-based): chr16:46,729,122, C>G on the plus strand (G>C on the coding strand, the complement: MYLK3 is on the minus strand). VCF-style: chr16-46729122-C-G. GRCh37 (hg19) VCF-style: chr16-46763034-C-G.
Other names: c.651G>C, p.Lys217Asn (NM_001308301.1); short protein forms K558N, K217N.
Identifiers: ClinVar variation 1377829 (VCV001377829.6), dbSNP rs1418347564, ClinGen allele CA395790421.